The following is an entry in ClinVar:

ClinVar aggregate classification (germline): Likely benign. Review status: criteria provided, multiple submitters, no conflicts (2 of 4 stars). 3 submissions from 3 submitters: Likely benign (2). 1 of the submissions does not count toward it. Last evaluated 2026-02-01.

Conditions:
NAT2-related disorder. Also called: NAT2-related condition.

Allele frequency attached by ClinVar (database versions not stated): TOPMed 0.00006; ESP Exome Variant Server 0.00015; gnomAD 0.00015; gnomAD exomes 0.00026; 1000 Genomes Project 30x 0.00031; 1000 Genomes Project 0.00040; ExAC 0.00053.
gnomAD v4.1: 418 of 1,611,730 alleles (0.026%); highest among the groups gnomAD compares: South Asian, 0.33%; 14 homozygotes.

Submissions (3):

CeGaT Center for Human Genetics Tuebingen
Classification: Likely benign. Last evaluated: 2026-02-01. Review status: criteria provided, single submitter. Criteria: CeGaT Center For Human Genetics Tuebingen Variant Classification Criteria Version 2. Collection method: clinical testing. Allele origin: germline. Affected: yes. Observed: 1 variant allele.
Comment: NAT2: BP4, BP7, BS2

Blueprint Genetics
Classification: Likely benign. Last evaluated: 2024-11-17. Review status: criteria provided, single submitter. Criteria: ACMG Guidelines, 2015. Collection method: clinical testing. Allele origin: germline.

PreventionGenetics, part of Exact Sciences
Classification: Likely benign for NAT2-related condition. Last evaluated: 2019-06-05. Review status: no assertion criteria provided. Collection method: clinical testing. Allele origin: germline. Not counted in ClinVar's aggregate classification.
Comment: This variant is classified as likely benign based on ACMG/AMP sequence variant interpretation guidelines (Richards et al. 2015 PMID: 25741868, with internal and published modifications).

NM_000015.3(NAT2):c.387C>T (p.Ser129=)

Gene: NAT2 (N-acetyltransferase 2; plus strand). Cytogenetic location: 8p22.
Variant type: single nucleotide variant.
Coding change: c.387C>T on transcript NM_000015.3 (MANE Select); coding-DNA position 387, C replaced by T.
Protein change: p.Ser129=; no amino-acid change (serine 129 retained).
Molecular consequence: synonymous variant.
Genome position (GRCh38, 1-based): chr8:18,400,390, C>T. VCF-style: chr8-18400390-C-T. GRCh37 (hg19) VCF-style: chr8-18257900-C-T.
Identifiers: ClinVar variation 3044340 (VCV003044340.7), dbSNP rs144828000, ClinGen allele CA4651613.
Genomic context (GRCh38, chr8:18,400,390, plus strand): 5'-CCTGCAGGTGACCATTGACGGCAGGAATTACATTGTCGATGCTGGGTCTGGAAGCTCCTC[C>T]CAGATGTGGCAGCCTCTAGAATTAATTTCTGGGAAGGATCAGCCTCAGGTGCCTTGCATT-3'
Protein context (NP_000006.2, residues 119-139): YIVDAGSGSS[Ser129=]QMWQPLELIS